The following continues an entry in ClinVar:

NM_000051.4(ATM):c.5975A>C (p.Lys1992Thr)

ClinVar aggregate classification (germline): Conflicting classifications of pathogenicity. Uncertain significance (9); Benign (6); Likely benign (11).

Submissions 14 to 31 of 31:

St. Jude Molecular Pathology, St. Jude Children's Research Hospital
Classification: Uncertain significance for Ataxia-telangiectasia syndrome. Last evaluated: 2022-07-13. Review status: criteria provided, single submitter. Criteria: St. Jude Assertion Criteria 2020. Collection method: clinical testing. Allele origin: germline.
Comment: The ATM c.5975A>C (p.Lys1992Thr) missense change has a maximum subpopulation frequency of 0.43% in gnomAD v2.1.1. The in silico tool REVEL is inconclusive about a pathogenic or benign effect of this variant on protein function, and to our knowledge functional studies have not been performed. This variant has been reported in individuals with a personal and/or family history of breast cancer, prostate cancer, and pancreatic adenocarcinoma (PMID: 28767289, 30303537, 32601921, 33436325). In addition, four individuals with this variant is reported in a database of women older than 70 years of age who have never had cancer (FLOSSIES). In summary, the evidence currently available is insufficient to determine the clinical significance of this variant. It has therefore been classified as of uncertain significance.

Institute for Clinical Genetics, University Hospital TU Dresden, University Hospital TU Dresden
Classification: Uncertain significance. Last evaluated: 2021-11-03. Review status: criteria provided, single submitter. Criteria: ACMG Guidelines, 2015. Collection method: clinical testing. Allele origin: germline.

Genetic Services Laboratory, University of Chicago
Classification: Likely benign. Last evaluated: 2021-06-18. Review status: criteria provided, single submitter. Criteria: ACMG Guidelines, 2015. Collection method: clinical testing. Allele origin: germline. Affected: no.

Pars Genome Lab
Classification: Likely benign for Ataxia-telangiectasia syndrome. Last evaluated: 2021-05-18. Review status: criteria provided, single submitter. Criteria: ACMG Guidelines, 2015. Collection method: clinical testing. Allele origin: germline. Affected: no.

GeneDx
Classification: Likely benign. Last evaluated: 2021-03-15. Review status: criteria provided, single submitter. Criteria: GeneDx Variant Classification Process June 2021. Collection method: clinical testing. Allele origin: germline. Affected: yes.
Comment: This variant is associated with the following publications: (PMID: 26580448, 17968022, 28652578, 21933854, 26689913, 23585524, 26787654, 24113346, 29769598, 29522266, 31159747, 30303537, 32601921, 33436325, 28767289)

Sema4
Classification: Benign for Hereditary cancer-predisposing syndrome. Last evaluated: 2020-10-21. Review status: criteria provided, single submitter. Criteria: Sema4 Curation Guidelines. Collection method: curation. Allele origin: germline.

Quest Diagnostics Nichols Institute San Juan Capistrano
Classification: Benign. Last evaluated: 2018-08-03. Review status: criteria provided, single submitter. Criteria: Quest Diagnostics criteria. Collection method: clinical testing. Allele origin: unknown.

GeneKor MSA
Classification: Uncertain significance for Hereditary cancer-predisposing syndrome. Last evaluated: 2018-08-01. Review status: criteria provided, single submitter. Criteria: ACMG Guidelines, 2015. Collection method: clinical testing. Allele origin: germline. Affected: no.

Ambry Genetics
Classification: Likely benign for Hereditary cancer-predisposing syndrome. Last evaluated: 2018-05-31. Review status: criteria provided, single submitter. Criteria: Ambry Variant Classification Scheme 2023. Collection method: clinical testing. Allele origin: germline.

Fulgent Genetics
Classification: Uncertain significance for Familial cancer of breast; Ataxia-telangiectasia syndrome. Last evaluated: 2017-05-23. Review status: criteria provided, single submitter. Criteria: ACMG Guidelines, 2015. Collection method: clinical testing. Allele origin: unknown.

Illumina Laboratory Services, Illumina
Classification: Uncertain significance for Ataxia-telangiectasia syndrome. Last evaluated: 2017-04-27. Review status: criteria provided, single submitter. Criteria: ICSL Variant Classification Criteria 13 December 2019. Collection method: clinical testing. Allele origin: germline.
Comment: This variant was observed as part of a predisposition screen in an ostensibly healthy population. A literature search was performed for the gene, cDNA change, and amino acid change (where applicable). Publications were found based on this search. However, the evidence from the literature, in combination with allele frequency data from public databases where available, was not sufficient to rule this variant in or out of causing disease. Therefore, this variant is classified as a variant of unknown significance.

Color Diagnostics, LLC DBA Color Health
Classification: Likely benign for Hereditary cancer-predisposing syndrome. Last evaluated: 2016-05-18. Review status: criteria provided, single submitter. Criteria: ACMG Guidelines, 2015. Collection method: clinical testing. Allele origin: germline.

Center for Genomics, Ann and Robert H. Lurie Children's Hospital of Chicago
Classification: Uncertain significance for Ataxia-telangiectasia syndrome; Familial cancer of breast. Review status: criteria provided, single submitter. Criteria: ACMG Guidelines, 2015. Collection method: clinical testing. Allele origin: germline.
Comment: This variant has been reported in the literature in numerous individuals with various types of cancer including breast, prostate and pancreatic ductal adenocarcinoma (Shindo 2017 PMID:28767289, Girard 2019 PMID:30303537, Tsaousis 2019 PMID:31159747, Gerbas 2020 PMID:32601921, Karlsson 2021 PMID:33436325). This variant is present in the Genome Aggregation Database (Highest reported MAF 0.4% (45/10364) including 1 homozygote). This variant is present in ClinVar, with classifications ranging from Variant of Uncertain Significance to Benign (Variation ID:127415). Evolutionary conservation suggests that this variant may impact the protein; computational predictive tools suggest that this variant may not impact the protein. In summary, data on this variant is insufficient for disease classification. Therefore, the clinical significance of this variant is uncertain.

PreventionGenetics, part of Exact Sciences
Classification: Likely benign for ATM-related condition. Last evaluated: 2022-04-01. Review status: no assertion criteria provided. Collection method: clinical testing. Allele origin: germline. Not counted in ClinVar's aggregate classification.
Comment: This variant is classified as likely benign based on ACMG/AMP sequence variant interpretation guidelines (Richards et al. 2015 PMID: 25741868, with internal and published modifications).

Natera, Inc.
Classification: Likely benign for Ataxia-telangiectasia. Last evaluated: 2020-04-03. Review status: no assertion criteria provided. Collection method: clinical testing. Allele origin: germline. Not counted in ClinVar's aggregate classification.

Counsyl
Classification: Uncertain significance for Ataxia-telangiectasia syndrome. Last evaluated: 2018-05-10. Review status: no assertion criteria provided. Collection method: clinical testing. Allele origin: unknown. Not counted in ClinVar's aggregate classification.

True Health Diagnostics
Classification: Likely benign for Hereditary cancer-predisposing syndrome. Last evaluated: 2018-05-03. Review status: no assertion criteria provided. Collection method: clinical testing. Allele origin: germline. Not counted in ClinVar's aggregate classification.

Department of Pathology and Laboratory Medicine, Sinai Health System
Classification: Uncertain significance for Malignant tumor of breast. Review status: no assertion criteria provided. Collection method: clinical testing. Allele origin: unknown. Affected: yes. Study: The Canadian Open Genetics Repository (COGR). Not counted in ClinVar's aggregate classification.
Comment: The ATM p.Lys1992Thr variant was identified in 1 of 636 proband chromosomes (frequency: 0.002) from British individuals or families with chronic lymphocytic leukemia and was present in 1 of 562 control chromosomes (frequency: 0.002) from healthy individuals (Skowronska 2012). The variant was also identified in dbSNP (ID: rs150757822) â€šÃ„ÃºWith Uncertain significance alleleâ€šÃ„Ã¹, ClinVar (classified as uncertain significance by GeneDx, Invitae and Ambry Genetics) and Clinvitae (2X). The variant was not identified in GeneInsight-COGR, Cosmic, MutDB, LOVD 3.0, and ATM-LOVD databases. The variant was identified in control databases in 92 (1 homozygous) of 277014 chromosomes at a frequency of 0.0003 increasing the likelihood this could be a low frequency benign variant (Genome Aggregation Consortium Feb 27, 2017). The p.Lys1992 residue is conserved in mammals and computational analyses (PolyPhen-2, SIFT, AlignGVGD, BLOSUM, MutationTaster) provide inconsistent predictions regarding the impact to the protein; this information is not very predictive of pathogenicity. The variant occurs outside of the splicing consensus sequence and 1 of 5 in silico or computational prediction software programs (SpliceSiteFinder, MaxEntScan, NNSPLICE, GeneSplicer, HumanSpliceFinder) predict a greater than 10% difference in splicing; this is not very predictive of pathogenicity. In summary, based on the above information the clinical significance of this variant cannot be determined with certainty at this time. This variant is classified as a variant of uncertain significance.

Literature cited by the submitters: PubMed 40105422 (cited by Mayo Clinic Laboratories, Mayo Clinic); PubMed 33436325 (cited by 3 submitters); PubMed 30303537 (cited by 4 submitters); PubMed 21933854 (cited by 5 submitters); PubMed 17968022 (cited by 4 submitters); PubMed 20305132 (cited by Women's Health and Genetics/Laboratory Corporation of America, LabCorp and Athena Diagnostics); PubMed 23585524 (cited by 4 submitters); PubMed 25186627 (cited by Women's Health and Genetics/Laboratory Corporation of America, LabCorp and Athena Diagnostics); PubMed 26689913 (cited by 4 submitters); PubMed 26787654 (cited by 3 submitters); PubMed 26580448 (cited by Women's Health and Genetics/Laboratory Corporation of America, LabCorp and Athena Diagnostics); PubMed 28767289 (cited by 3 submitters); PubMed 28652578 (cited by Women's Health and Genetics/Laboratory Corporation of America, LabCorp and Athena Diagnostics); PubMed 31159747 (cited by 3 submitters); PubMed 33471991 (cited by 3 submitters); PubMed 35264596 (cited by 3 submitters); PubMed 35245693 (cited by Women's Health and Genetics/Laboratory Corporation of America, LabCorp and Athena Diagnostics); PubMed 35763645 (cited by Women's Health and Genetics/Laboratory Corporation of America, LabCorp and Athena Diagnostics); PubMed 25085752 (cited by Athena Diagnostics and Myriad Genetics, Inc.); PubMed 32601921 (cited by Athena Diagnostics and Quest Diagnostics Nichols Institute San Juan Capistrano).